The following is an entry in ClinVar:

ClinVar aggregate classification (germline): Uncertain significance (1 of 4 stars; one submission).

Submission:

GeneDx
Classification: Uncertain significance. Last evaluated: 2025-07-02. Review status: criteria provided, single submitter. Criteria: GeneDx Variant Classification Process June 2021. Collection method: clinical testing. Allele origin: germline. Affected: yes.
Comment: Not observed at significant frequency in large population cohorts (gnomAD); In silico analysis supports that this missense variant has a deleterious effect on protein structure/function; Has not been previously published as pathogenic or benign to our knowledge

NM_001148.6(ANK2):c.10922A>G (p.Asn3641Ser)

Gene: ANK2 (ankyrin 2; plus strand). Cytogenetic location: 4q26.
Variant type: single nucleotide variant.
Coding change: c.10922A>G on transcript NM_001148.6 (MANE Select); coding-DNA position 10922, A replaced by G.
Protein change: p.Asn3641Ser; replaces asparagine 3641 with serine.
Molecular consequence: missense variant.
Genome position (GRCh38, 1-based): chr4:113,365,072, A>G. VCF-style: chr4-113365072-A-G. GRCh37 (hg19) VCF-style: chr4-114286228-A-G.
Other names: c.4493A>G, p.Asn1498Ser (NM_001386147.1); c.4652A>G, p.Asn1551Ser (NM_001386148.2, NM_001386186.2); c.4448A>G, p.Asn1483Ser (NM_001386149.1, NM_001386150.1, NM_001386153.1 and 1 more transcripts); c.4382A>G, p.Asn1461Ser (NM_001386151.1, NM_001354260.2, NM_001354271.2); c.4724A>G, p.Asn1575Ser (NM_001386152.1); c.4433A>G, p.Asn1478Ser (NM_001386154.1, NM_001354274.2); c.4406A>G, p.Asn1469Ser (NM_001386156.1, NM_001354257.2); c.4283A>G, p.Asn1428Ser (NM_001386157.1, NM_001354277.2); and 35 more; short protein forms N1395S, N1428S, N1456S, N1461S, N1469S, N1478S, N1481S, N1483S.
Identifiers: ClinVar variation 4680916 (VCV004680916.1).
Genomic context (GRCh38, chr4:113,365,072, plus strand): 5'-ATAAATGCTGTTTCTCTAATGTGTCAGATACCAACCTCGTTGAATGTCTCACCAAGATCA[A>G]CCGAATGGATATTGTTCATCTCATGGAGACCAACACAGAACCTCTCCAGGAGCGCATCAG-3'
Protein context (NP_001139.3, residues 3631-3651): TNLVECLTKI[Asn3641Ser]RMDIVHLMET